The following is an entry in ClinVar:

ClinVar aggregate classification (germline): confers sensitivity (1 of 4 stars; one submission).

Conditions:
Lung cancer. Also called: Lung cancer, somatic; Malignant tumor of lung. Identifiers: MedGen C0242379, MONDO:0008903, OMIM 211980.

Allele frequency attached by ClinVar (database versions not stated): 1000 Genomes Project 0.34565; 1000 Genomes Project 30x 0.35540; TOPMed 0.37557; gnomAD 0.37789 and 0.38037.

Submission:

Kong Lab, Department of Radiation Oncology, Case Western Reserve University School of Medicine
Classification: confers sensitivity for Lung Cancer. Last evaluated: 2012-05-01. Review status: criteria provided, single submitter. Criteria: Jin JY et al. (Radiother Oncol 2015). Collection method: research. Allele origin: germline. Affected: yes. Observed: 33 variant alleles.
Comment: Improve the prediction accuracy for overal survival in non-small cell lung cancer patients

Literature cited by the submitters: PubMed 21515830; PubMed 24465802.

NC_000020.11:g.6786464A>G

Gene: BMP2 (bone morphogenetic protein 2; plus strand). Cytogenetic location: 20p12.3.
Variant type: single nucleotide variant.
Genome position: GRCh38 VCF-style: chr20-6786464-A-G. GRCh37 (hg19) VCF-style: chr20-6767111-A-G.
Identifiers: ClinVar variation 996153 (VCV000996153.3), dbSNP rs235756, ClinGen allele CA15963304.